The following is an entry in ClinVar:

NM_020964.3(EPG5):c.1702A>C (p.Ile568Leu)

Gene: EPG5 (ectopic P-granules 5 autophagy tethering factor; minus strand). Cytogenetic location: 18q21.1.
Variant type: single nucleotide variant.
Coding change: c.1702A>C on transcript NM_020964.3 (MANE Select); coding-DNA position 1702, A replaced by C.
Protein change: p.Ile568Leu; replaces isoleucine 568 with leucine.
Molecular consequence: missense variant.
Genome position (GRCh38, 1-based): chr18:45,944,095, T>G on the plus strand (A>C on the coding strand, the complement: EPG5 is on the minus strand). VCF-style: chr18-45944095-T-G. GRCh37 (hg19) VCF-style: chr18-43524061-T-G.
Other names: c.1702A>C, p.Ile568Leu (LRG_1234t1); short protein forms I568L.
Identifiers: ClinVar variation 661590 (VCV000661590.8), dbSNP rs1302366422, ClinGen allele CA402348772.

ClinVar aggregate classification (germline): Uncertain significance. Review status: criteria provided, multiple submitters, no conflicts (2 of 4 stars). 2 submissions from 2 submitters: Uncertain significance (2). Last evaluated 2025-08-27.

Conditions:
Inborn genetic diseases. Identifiers: MedGen C0950123, MeSH D030342.
Vici syndrome (VICIS). Identifiers: Orphanet 1493, MedGen C1855772, MONDO:0009452, OMIM 242840.

Allele frequency attached by ClinVar (database versions not stated): gnomAD exomes below 0.00001.
gnomAD v4.1: 1 of 1,613,320 alleles (0.000062%); highest among the groups gnomAD compares: Non-Finnish European, 0.000085%; no homozygotes.

Submissions (2):

Ambry Genetics
Classification: Uncertain significance for Inborn genetic diseases. Last evaluated: 2025-08-27. Review status: criteria provided, single submitter. Criteria: Ambry Variant Classification Scheme 2023. Collection method: clinical testing. Allele origin: germline.

Labcorp Genetics (formerly Invitae), Labcorp
Classification: Uncertain significance for Vici syndrome. Last evaluated: 2021-08-25. Review status: criteria provided, single submitter. Criteria: Invitae Variant Classification Sherloc (09022015). Collection method: clinical testing. Allele origin: germline.
Comment: This sequence change replaces isoleucine with leucine at codon 568 of the EPG5 protein (p.Ile568Leu). The isoleucine residue is weakly conserved and there is a small physicochemical difference between isoleucine and leucine. This variant is not present in population databases (ExAC no frequency). This variant has not been reported in the literature in individuals affected with EPG5-related conditions. Algorithms developed to predict the effect of missense changes on protein structure and function output the following: SIFT: "Tolerated"; PolyPhen-2: "Benign"; Align-GVGD: "Class C0". The leucine amino acid residue is found in multiple mammalian species, which suggests that this missense change does not adversely affect protein function. In summary, the available evidence is currently insufficient to determine the role of this variant in disease. Therefore, it has been classified as a Variant of Uncertain Significance.